The following is an entry in ClinVar:

NM_024598.4(USB1):c.211G>A (p.Val71Met)

Gene: USB1 (U6 snRNA biogenesis phosphodiesterase 1; plus strand). Cytogenetic location: 16q21.
Variant type: single nucleotide variant.
Coding change: c.211G>A on transcript NM_024598.4 (MANE Select); coding-DNA position 211, G replaced by A.
Protein change: p.Val71Met; replaces valine 71 with methionine.
Molecular consequence: missense variant.
Genome position (GRCh38, 1-based): chr16:58,002,591, G>A. VCF-style: chr16-58002591-G-A. GRCh37 (hg19) VCF-style: chr16-58036495-G-A.
Other names: c.211G>A, p.Val71Met (NM_001195302.2, NM_001204911.2, NM_001330569.2); c.58G>A, p.Val20Met (NM_001330568.2); short protein forms V71M, V20M.
Identifiers: ClinVar variation 2161125 (VCV002161125.6), dbSNP rs1963249685, ClinGen allele CA396128822.

ClinVar aggregate classification (germline): Uncertain significance. Review status: criteria provided, multiple submitters, no conflicts (2 of 4 stars). 3 submissions from 3 submitters: Uncertain significance (3). Last evaluated 2026-05-19.

Conditions:
Inborn genetic diseases. Identifiers: MedGen C0950123, MeSH D030342.

Allele frequency attached by ClinVar (database versions not stated): TOPMed below 0.00001.
gnomAD v4.1: 1 of 1,614,058 alleles (0.000062%); no homozygotes.

Submissions (3):

Ambry Genetics
Classification: Uncertain significance for Inborn genetic diseases. Last evaluated: 2026-05-19. Review status: criteria provided, single submitter. Criteria: Ambry Variant Classification Scheme 2023. Collection method: clinical testing. Allele origin: germline.
Comment: The p.V71M variant (also known as c.211G>A), located in coding exon 2 of the USB1 gene, results from a G to A substitution at nucleotide position 211. The valine at codon 71 is replaced by methionine, an amino acid with highly similar properties. This amino acid position is conserved. In addition, this alteration is predicted to be tolerated by in silico analysis. Based on the available evidence, the clinical significance of this variant remains unclear.

Blueprint Genetics
Classification: Uncertain significance. Last evaluated: 2023-06-29. Review status: criteria provided, single submitter. Criteria: ACMG Guidelines, 2015. Collection method: clinical testing. Allele origin: germline.

Labcorp Genetics (formerly Invitae), Labcorp
Classification: Uncertain significance. Last evaluated: 2022-05-15. Review status: criteria provided, single submitter. Criteria: Invitae Variant Classification Sherloc (09022015). Collection method: clinical testing. Allele origin: germline.
Comment: In summary, the available evidence is currently insufficient to determine the role of this variant in disease. Therefore, it has been classified as a Variant of Uncertain Significance. Algorithms developed to predict the effect of missense changes on protein structure and function are either unavailable or do not agree on the potential impact of this missense change (SIFT: "Not Available"; PolyPhen-2: "Benign"; Align-GVGD: "Not Available"). This variant has not been reported in the literature in individuals affected with USB1-related conditions. This variant is not present in population databases (gnomAD no frequency). This sequence change replaces valine, which is neutral and non-polar, with methionine, which is neutral and non-polar, at codon 71 of the USB1 protein (p.Val71Met).